The following is an entry in ClinVar:

NM_001927.4(DES):c.553G>A (p.Asp185Asn)

Gene: DES (desmin; plus strand). Cytogenetic location: 2q35.
Variant type: single nucleotide variant.
Coding change: c.553G>A on transcript NM_001927.4 (MANE Select); coding-DNA position 553, G replaced by A.
Protein change: p.Asp185Asn; replaces aspartic acid 185 with asparagine.
Molecular consequence: missense variant. On other transcripts: intron variant (1).
Genome position (GRCh38, 1-based): chr2:219,419,015, G>A. VCF-style: chr2-219419015-G-A. GRCh37 (hg19) VCF-style: chr2-220283737-G-A.
Other names: c.553G>A, p.Asp185Asn (NM_001382708.1, NM_001382709.1, NM_001382710.1 and 2 more transcripts); c.495+58G>A (NM_001382713.1); short protein forms D185N.
Identifiers: ClinVar variation 2938927 (VCV002938927.4), dbSNP rs1954383443, ClinGen allele CA350687080.

ClinVar aggregate classification (germline): Uncertain significance. Review status: criteria provided, multiple submitters, no conflicts (2 of 4 stars). 2 submissions from 2 submitters: Uncertain significance (2). Last evaluated 2025-11-12.

Conditions:
Desmin-related myofibrillar myopathy (MFM1). Also called: Desminopathy; Desmin related myopathy (former name); Desmin storage myopathy (former name); MYOFIBRILLAR MYOPATHY WITH ARRHYTHMOGENIC RIGHT VENTRICULAR CARDIOMYOPATHY; DESMIN-RELATED MYOPATHY WITH ARRHYTHMOGENIC RIGHT VENTRICULAR CARDIOMYOPATHY; Myofibrillar myopathy 1. Identifiers: Orphanet 363543, Orphanet 98909, MedGen C1832370, MONDO:0011076, OMIM 601419.

Allele frequency attached by ClinVar (database versions not stated): TOPMed below 0.00001.
gnomAD v4.1: 1 of 1,545,396 alleles (0.000065%); highest among the groups gnomAD compares: Non-Finnish European, 0.000087%; no homozygotes.

Submissions (2):

Labcorp Genetics (formerly Invitae), Labcorp
Classification: Uncertain significance for Desmin-related myofibrillar myopathy. Last evaluated: 2025-11-12. Review status: criteria provided, single submitter. Criteria: Invitae Variant Classification Sherloc (09022015). Collection method: clinical testing. Allele origin: germline.
Comment: This sequence change replaces aspartic acid, which is acidic and polar, with asparagine, which is neutral and polar, at codon 185 of the DES protein (p.Asp185Asn). This variant is not present in population databases (gnomAD no frequency). This variant has not been reported in the literature in individuals affected with DES-related conditions. ClinVar contains an entry for this variant (Variation ID: 2938927). Invitae Evidence Modeling of protein sequence and biophysical properties (such as structural, functional, and spatial information, amino acid conservation, physicochemical variation, residue mobility, and thermodynamic stability) has been performed for this missense variant. However, the output from this modeling did not meet the statistical confidence thresholds required to predict the impact of this variant on DES protein function. In summary, the available evidence is currently insufficient to determine the role of this variant in disease. Therefore, it has been classified as a Variant of Uncertain Significance.

GeneDx
Classification: Uncertain significance. Last evaluated: 2025-06-10. Review status: criteria provided, single submitter. Criteria: GeneDx Variant Classification Process June 2021. Collection method: clinical testing. Allele origin: germline. Affected: yes.
Comment: Not observed at significant frequency in large population cohorts (gnomAD); In silico analysis supports that this missense variant has a deleterious effect on protein structure/function; Has not been previously published as pathogenic or benign to our knowledge; This variant is associated with the following publications: (PMID: 26807690)